The following is an entry in ClinVar:

NM_000138.5(FBN1):c.2506del (p.Ser836fs)

Gene: FBN1 (fibrillin 1; minus strand). Cytogenetic location: 15q21.1.
Variant type: Deletion.
Coding change: c.2506del on transcript NM_000138.5 (MANE Select); coding-DNA position 2506, one base deleted (A; older notation c.2506delA).
Protein change: p.Ser836fs; shifts the reading frame from serine 836.
Molecular consequence: frameshift variant.
Genome position (GRCh38, 1-based): chr15:48,495,502, T deleted on the plus strand (A on the coding strand, the reverse complement: FBN1 is on the minus strand); the first of 3 consecutive T bases (chr15:48,495,502-48,495,504); deleting any one gives the same sequence. VCF-style (leftmost placement, unchanged base first): chr15-48495501-CT-C. GRCh37 (hg19) VCF-style: chr15-48787698-CT-C.
Other names: c.2506delA (NM_000138.4); short protein forms S836fs.
Identifiers: ClinVar variation 560217 (VCV000560217.11), dbSNP rs1566911709, ClinGen allele CA658824464.

ClinVar aggregate classification (germline): Pathogenic. Review status: criteria provided, single submitter (1 of 4 stars). 3 submissions from 2 submitters: Pathogenic (1). 2 of the submissions do not count toward it. Last evaluated 2019-10-10.

Conditions:
MASS syndrome (OCTD). Also called: MASS PHENOTYPE; OVERLAP CONNECTIVE TISSUE DISEASE. Identifiers: MedGen C1858556, MONDO:0011431, OMIM 604308.
Familial thoracic aortic aneurysm and aortic dissection (TAAD). Also called: Thoracic aortic aneurysms and dissections. Identifiers: Orphanet 91387, MedGen C4707243, MONDO:0019625.
Marfan syndrome (MFS). Also called: FBN1-Related Marfan Syndrome; Marfan syndrome type 1; Marfan's syndrome; Marfan syndrome, classic; MARFAN SYNDROME, TYPE I. Identifiers: Orphanet 284963, Orphanet 558, MedGen C0024796, MONDO:0007947, OMIM 154700.

Submissions (3):

Labcorp Genetics (formerly Invitae), Labcorp
Classification: Pathogenic for Marfan syndrome; Familial thoracic aortic aneurysm and aortic dissection. Last evaluated: 2019-10-10. Review status: criteria provided, single submitter. Criteria: Invitae Variant Classification Sherloc (09022015). Collection method: clinical testing. Allele origin: germline.
Comment: This sequence change creates a premature translational stop signal (p.Ser836Valfs*11) in the FBN1 gene. It is expected to result in an absent or disrupted protein product. This variant is not present in population databases (ExAC no frequency). This variant has been observed in an individual with clinical features of Marfan syndrome (PMID: 30048161). ClinVar contains an entry for this variant (Variation ID: 560217). Algorithms developed to predict the effect of sequence changes on RNA splicing suggest that this variant may create or strengthen a splice site, but this prediction has not been confirmed by published transcriptional studies. Loss-of-function variants in FBN1 are known to be pathogenic (PMID: 17657824, 19293843). For these reasons, this variant has been classified as Pathogenic.

Department of Medical Genetics, Gazi University
Classification: Pathogenic for Marfan syndrome. Last evaluated: 2018-06-01. Review status: no assertion criteria provided. Collection method: clinical testing. Allele origin: unknown, maternal. Affected: yes. Observed: 2 heterozygotes. Clinical features observed: Aortic dilatation with a Z score above 3 (Z>3), mitral valve prolapse, dolichocephaly, downslanting palpebral fissures, malar hypoplasia, positive thumb and wrist signs, restricted elbow extension, striae on the skin, bilateral myopia (1 diopter), Aortic dilatation with a Z score of 2 (Z=2), tricuspid valve prolapse, tricuspid regurgitation, and 7 more. Not counted in ClinVar's aggregate classification.

Department of Medical Genetics, Gazi University
Classification: Pathogenic for MASS syndrome. Last evaluated: 2018-06-01. Review status: no assertion criteria provided. Collection method: clinical testing. Allele origin: maternal. Affected: yes. Observed: 2 heterozygotes. Clinical features observed: Arachnodactyly, laxity of fingers of the hand, positive thumb and wrist signs, mitral valve prolapse, bilateral myopia (2,5 diopters), astigmatism, mild strabismus, downslanting palpebral fissures, malar hypoplasia, pes planus, bilateral myopia (0.75 diopters). Not counted in ClinVar's aggregate classification.

Literature cited by the submitters: PubMed 30048161 (cited by Labcorp Genetics (formerly Invitae), Labcorp and Department of Medical Genetics, Gazi University); PubMed 17657824 (cited by Labcorp Genetics (formerly Invitae), Labcorp); PubMed 19293843 (cited by Labcorp Genetics (formerly Invitae), Labcorp).